The following is an entry in ClinVar:

NM_001035235.4(SRA1):c.32A>G (p.Lys11Arg)

Gene: SRA1 (steroid receptor RNA activator 1; minus strand). Cytogenetic location: 5q31.3.
Variant type: single nucleotide variant.
Coding change: c.32A>G on transcript NM_001035235.4 (MANE Select); coding-DNA position 32, A replaced by G.
Protein change: p.Lys11Arg; replaces lysine 11 with arginine.
Molecular consequence: missense variant. On other transcripts: non-coding transcript variant (2).
Genome position (GRCh38, 1-based): chr5:140,557,266, T>C on the plus strand (A>G on the coding strand, the complement: SRA1 is on the minus strand). VCF-style: chr5-140557266-T-C. GRCh37 (hg19) VCF-style: chr5-139936851-T-C.
Other names: c.187A>G, p.Arg63Gly (NM_001253764.2); short protein forms K11R, R63G.
Identifiers: ClinVar variation 4811129 (VCV004811129.1).

ClinVar aggregate classification (germline): Uncertain significance (1 of 4 stars; one submission).

Submission:

Labcorp Genetics (formerly Invitae), Labcorp
Classification: Uncertain significance. Last evaluated: 2026-01-24. Review status: criteria provided, single submitter. Criteria: Invitae Variant Classification Sherloc (09022015). Collection method: clinical testing. Allele origin: germline.
Comment: This sequence change replaces lysine, which is basic and polar, with arginine, which is basic and polar, at codon 23 of the SRA1 protein (p.Lys23Arg). This variant is not present in population databases (gnomAD no frequency). This variant has not been reported in the literature in individuals affected with SRA1-related conditions. An algorithm developed to predict the effect of missense changes on protein structure and function (PolyPhen-2) suggests that this variant is likely to be disruptive. In summary, the available evidence is currently insufficient to determine the role of this variant in disease. Therefore, it has been classified as a Variant of Uncertain Significance.